The following is an entry in ClinVar:

ClinVar aggregate classification (germline): Uncertain significance (1 of 4 stars; one submission).

Submission:

GeneDx
Classification: Uncertain significance. Last evaluated: 2024-01-25. Review status: criteria provided, single submitter. Criteria: GeneDx Variant Classification Process June 2021. Collection method: clinical testing. Allele origin: germline. Affected: yes.
Comment: In silico analysis supports that this missense variant does not alter protein structure/function; Has not been previously published as pathogenic or benign to our knowledge

NM_002941.4(ROBO1):c.3668T>C (p.Met1223Thr)

Gene: ROBO1 (roundabout guidance receptor 1; minus strand). Cytogenetic location: 3p12.3.
Variant type: single nucleotide variant.
Coding change: c.3668T>C on transcript NM_002941.4 (MANE Select); coding-DNA position 3668, T replaced by C.
Protein change: p.Met1223Thr; replaces methionine 1223 with threonine.
Molecular consequence: missense variant.
Genome position (GRCh38, 1-based): chr3:78,627,528, A>G on the plus strand (T>C on the coding strand, the complement: ROBO1 is on the minus strand). VCF-style: chr3-78627528-A-G. GRCh37 (hg19) VCF-style: chr3-78676678-A-G.
Other names: c.3368T>C, p.Met1123Thr (NM_001145845.2); c.3533T>C, p.Met1178Thr (NM_133631.4); short protein forms M1123T, M1178T, M1223T.
Identifiers: ClinVar variation 3367833 (VCV003367833.1).